The following is an entry in ClinVar:

ClinVar aggregate classification (germline): Pathogenic (1 of 4 stars; one submission).

Conditions:
Familial cancer of breast. Also called: BREAST CANCER, FAMILIAL; hereditary breast carcinoma; Hereditary breast cancer. Identifiers: Orphanet 227535, MedGen C0346153, MONDO:0016419, OMIM 114480. Disease mechanism: loss of function.

Submission:

Labcorp Genetics (formerly Invitae), Labcorp
Classification: Pathogenic for Familial cancer of breast. Last evaluated: 2021-06-09. Review status: criteria provided, single submitter. Criteria: Invitae Variant Classification Sherloc (09022015). Collection method: clinical testing. Allele origin: germline.
Comment: For these reasons, this variant has been classified as Pathogenic. This variant has not been reported in the literature in individuals with PALB2-related conditions. This variant is a gross deletion of the genomic region encompassing exon(s) 1 of the PALB2 gene, which includes the initiator codon. The 5' end of this event is unknown as it extends beyond the assayed region for this gene and therefore may encompass additional genes. The 3' boundary is likely confined to intron 1 of the PALB2 gene. It is expected to result in an absent or disrupted protein product. Loss-of-function variants in PALB2 are known to be pathogenic (PMID: 17200668, 24136930, 25099575).

Literature cited by the submitters: PubMed 17200668; PubMed 24136930; PubMed 25099575.

NC_000016.9:g.(?_23652421)_(23652478_?)del

Gene: PALB2 (partner and localizer of BRCA2; minus strand). Cytogenetic location: 16p12.2.
Variant type: Deletion.
Identifiers: ClinVar variation 1459289 (VCV001459289.5).